The following is an entry in ClinVar:

NM_001206927.2(DNAH8):c.13894G>A (p.Gly4632Arg)

Gene: DNAH8 (dynein axonemal heavy chain 8; plus strand). Cytogenetic location: 6p21.2.
Variant type: single nucleotide variant.
Coding change: c.13894G>A on transcript NM_001206927.2 (MANE Select); coding-DNA position 13894, G replaced by A.
Protein change: p.Gly4632Arg; replaces glycine 4632 with arginine.
Molecular consequence: missense variant.
Genome position (GRCh38, 1-based): chr6:39,030,162, G>A. VCF-style: chr6-39030162-G-A. GRCh37 (hg19) VCF-style: chr6-38997938-G-A.
Other names: c.13243G>A, p.Gly4415Arg (NM_001371.4); short protein forms G4632R, G4415R.
Identifiers: ClinVar variation 3007669 (VCV003007669.2), dbSNP rs1338709868, ClinGen allele CA363999311.
Genomic context (GRCh38, chr6:39,030,162, plus strand): 5'-CAGGAAGGTGTGTATATTTATGGGCTCTACATGGATGGAGCAGCCTGGGACAGACGGAAT[G>A]GGAAGCTCATGGAATCCACCCCCAAGGTACTCTTCACGCAGTTACCCGTGCTCCACATCT-3'
Protein context (NP_001193856.1, residues 4622-4642): MDGAAWDRRN[Gly4632Arg]KLMESTPKVL

ClinVar aggregate classification (germline): Uncertain significance (1 of 4 stars; one submission).

Conditions:
Primary ciliary dyskinesia. Also called: Ciliary dyskinesia. Identifiers: Orphanet 244, MedGen C0008780, MONDO:0016575, HP:0012265.

Allele frequency attached by ClinVar (database versions not stated): gnomAD exomes 0.00001; TOPMed 0.00001; gnomAD 0.00002.
gnomAD v4.1: 20 of 1,613,926 alleles (0.0012%); highest among the groups gnomAD compares: Non-Finnish European, 0.0017%; no homozygotes.

Submission:

Labcorp Genetics (formerly Invitae), Labcorp
Classification: Uncertain significance for Primary ciliary dyskinesia. Last evaluated: 2023-09-11. Review status: criteria provided, single submitter. Criteria: Invitae Variant Classification Sherloc (09022015). Collection method: clinical testing. Allele origin: germline.
Comment: In summary, the available evidence is currently insufficient to determine the role of this variant in disease. Therefore, it has been classified as a Variant of Uncertain Significance. Advanced modeling of protein sequence and biophysical properties (such as structural, functional, and spatial information, amino acid conservation, physicochemical variation, residue mobility, and thermodynamic stability) performed at Invitae indicates that this missense variant is not expected to disrupt DNAH8 protein function. This variant has not been reported in the literature in individuals affected with DNAH8-related conditions. This variant is present in population databases (no rsID available, gnomAD 0.007%). This sequence change replaces glycine, which is neutral and non-polar, with arginine, which is basic and polar, at codon 4632 of the DNAH8 protein (p.Gly4632Arg).